The following is an entry in ClinVar:

NM_000497.4(CYP11B1):c.246C>T (p.Asp82=)

Gene: CYP11B1 (cytochrome P450 family 11 subfamily B member 1; minus strand). Cytogenetic location: 8q24.3.
Variant type: single nucleotide variant.
Coding change: c.246C>T on transcript NM_000497.4 (MANE Select); coding-DNA position 246, C replaced by T.
Protein change: p.Asp82=; no amino-acid change (aspartic acid 82 retained).
Molecular consequence: synonymous variant.
Genome position (GRCh38, 1-based): chr8:142,879,181, G>A on the plus strand (C>T on the coding strand, the complement: CYP11B1 is on the minus strand). VCF-style: chr8-142879181-G-A. GRCh37 (hg19) VCF-style: chr8-143960597-G-A.
Other names: p.Asp82=; c.246C>T, p.Asp82= (NM_001026213.1).
Identifiers: ClinVar variation 362167 (VCV000362167.31), dbSNP rs5283, ClinGen allele CA4905577.
Genomic context (GRCh38, chr8:142,879,181, plus strand): 5'-CTGTTGCAGCTTCTCCACGTCCTCCGGCAGCATCACACACACCATGCCTGCTCCTCCCAA[G>A]TCGTACCTGTGGGGCCAAGCACGAGGCCGTGCTGGATGGGACCATGTCCCCGCTAGCCCC-3'
Protein context (NP_000488.3, residues 72-92): FQELGPIFRY[Asp82=]LGGAGMVCVM

ClinVar aggregate classification (germline): Benign. Review status: criteria provided, multiple submitters, no conflicts (2 of 4 stars). 12 submissions from 11 submitters: Benign (10). 2 of the submissions do not count toward it. Last evaluated 2026-02-04.

Conditions:
Glucocorticoid-remediable aldosteronism. Also called: Hyperaldosteronism, familial, type I; FH I; GLUCOCORTICOID-SUPPRESSIBLE HYPERALDOSTERONISM; ACTH-DEPENDENT HYPERALDOSTERONISM SYNDROME; ALDOSTERONISM, SENSITIVE TO DEXAMETHASONE. Identifiers: Orphanet 403, MedGen C3838731, MONDO:0007080, OMIM 103900.
Deficiency of steroid 11-beta-monooxygenase (CYP11B1). Also called: Congenital adrenal hyperplasia due to 11-beta-hydroxylase deficiency; ADRENAL HYPERPLASIA, CONGENITAL, DUE TO STEROID 11-BETA-HYDROXYLASE DEFICIENCY; 11-BETA-HYDROXYLASE DEFICIENCY; P450C11B1 DEFICIENCY; STEROID 11-BETA-HYDROXYLASE DEFICIENCY; ADRENAL HYPERPLASIA IV. Identifiers: Orphanet 90795, MedGen C0268292, MONDO:0008729, OMIM 202010. Disease mechanism: loss of function.

Allele frequency attached by ClinVar (database versions not stated): 1000 Genomes Project 30x 0.29919; 1000 Genomes Project 0.30272; TOPMed 0.32688; ESP Exome Variant Server 0.32831; gnomAD 0.33818 and 0.34289; ExAC 0.39787; gnomAD exomes 0.40867 and 0.42809.
gnomAD v4.1: 677,715 of 1,613,728 alleles (42%); highest among the groups gnomAD compares: Non-Finnish European, 44%; 147,725 homozygotes.

Submissions (12):

Labcorp Genetics (formerly Invitae), Labcorp
Classification: Benign. Last evaluated: 2026-02-04. Review status: criteria provided, single submitter. Criteria: Invitae Variant Classification Sherloc (09022015). Collection method: clinical testing. Allele origin: germline.

Blueprint Genetics
Classification: Benign. Last evaluated: 2024-11-27. Review status: criteria provided, single submitter. Criteria: ACMG Guidelines, 2015. Collection method: clinical testing. Allele origin: germline.

Victorian Clinical Genetics Services, Murdoch Childrens Research Institute
Classification: Benign for Deficiency of steroid 11-beta-monooxygenase. Last evaluated: 2022-06-24. Review status: criteria provided, single submitter. Criteria: ACMG Guidelines, 2015. Collection method: clinical testing. Allele origin: germline. Inheritance: Autosomal recessive inheritance.
Comment: Based on the classification scheme VCGS_Germline_v1.3.4, this variant is classified as benign. Following criteria are met: 0102 - Loss of function is a known mechanism of disease in this gene and is associated with adrenal hyperplasia, congenital, due to 11-beta-hydroxylase deficiency (MIM#202010). The mechanism for aldosteronism, glucocorticoid-remediable (MIM#103900) is unclear. (I) 0108 - This gene is associated with both recessive and dominant disease. Recessive disease is caused by biallelic coding variants. Dominant disease is caused by a fusion event between the regulatory region of CYP11B1 and coding region of CYP11B2 (OMIM). (I) 0212 - Non-canonical splice site variant without proven consequence on splicing (no functional evidence available). (SP) 0252 - This variant is homozygous. (I) 0308 - Population frequency for this variant is out of keeping with known incidence of adrenal hyperplasia, congenital, due to 11-beta-hydroxylase deficiency (MIM#202010) (gnomAD v2: 64738 heterozygotes, 24408 homozygotes). (SB) 0506 - Abnormal splicing is not predicted and nucleotide is poorly conserved. (SB) 0805 - This variant has strong previous evidence of being benign in unrelated individuals. This variant has been reported multiple times as benign (ClinVar). (SB) 1208 - Inheritance information for this variant is not currently available in this individual. (I) Legend: (SP) - Supporting pathogenic, (I) - Information, (SB) - Supporting benign

Mayo Clinic Laboratories, Mayo Clinic
Classification: Benign. Last evaluated: 2022-03-09. Review status: criteria provided, single submitter. Criteria: ACMG Guidelines, 2015. Collection method: clinical testing. Allele origin: germline. Observed: 107 variant alleles.

Genome-Nilou Lab
Classification: Benign for Deficiency of steroid 11-beta-monooxygenase. Last evaluated: 2021-07-30. Review status: criteria provided, single submitter. Criteria: ACMG Guidelines, 2015. Collection method: clinical testing. Allele origin: germline. Affected: no.

Department of Human Genetics, Laborarztpraxis Dres. Walther, Weindel und Kollegen
Classification: Benign for Deficiency of steroid 11-beta-monooxygenase. Last evaluated: 2020-04-20. Review status: criteria provided, single submitter. Criteria: ACMG Guidelines, 2015. Collection method: clinical testing. Allele origin: germline. Affected: yes.
Comment: Due to the increased occurrence of the mutation (>= 5%) and the current estimates of databases (LOVD), this variant is classified as benign.

GeneDx
Classification: Benign. Last evaluated: 2020-03-09. Review status: criteria provided, single submitter. Criteria: GeneDx Variant Classification Process June 2021. Collection method: clinical testing. Allele origin: germline. Affected: yes.

Illumina Laboratory Services, Illumina
Classification: Benign for Deficiency of steroid 11-beta-monooxygenase. Last evaluated: 2018-01-12. Review status: criteria provided, single submitter. Criteria: ICSL Variant Classification Criteria 13 December 2019. Collection method: clinical testing. Allele origin: germline.
Comment: This variant was observed in the ICSL laboratory as part of a predisposition screen in an ostensibly healthy population. It had not been previously curated by ICSL or reported in the Human Gene Mutation Database (HGMD: prior to June 1st, 2018), and was therefore a candidate for classification through an automated scoring system. Utilizing variant allele frequency, disease prevalence and penetrance estimates, and inheritance mode, an automated score was calculated to assess if this variant is too frequent to cause the disease. Based on the score and internal cut-off values, a variant classified as benign is not then subjected to further curation. The score for this variant resulted in a classification of benign for this disease.

Illumina Laboratory Services, Illumina
Classification: Benign for Glucocorticoid-remediable aldosteronism. Last evaluated: 2018-01-12. Review status: criteria provided, single submitter. Criteria: ICSL Variant Classification Criteria 13 December 2019. Collection method: clinical testing. Allele origin: germline.
Comment: the same text as in the submission from Illumina Laboratory Services, Illumina above.

Breakthrough Genomics
Classification: Benign. Review status: criteria provided, single submitter. Criteria: ACMG Guidelines, 2015. Collection method: not provided. Allele origin: germline. Inheritance: Autosomal recessive inheritance. Affected: yes.

Diagnostic Laboratory, Department of Genetics, University Medical Center Groningen
Classification: Benign. Review status: no assertion criteria provided. Collection method: clinical testing. Allele origin: germline. Affected: yes. Study: VKGL Data-share Consensus. Not counted in ClinVar's aggregate classification.

Joint Genome Diagnostic Labs from Nijmegen and Maastricht, Radboudumc and MUMC+
Classification: Benign. Review status: no assertion criteria provided. Collection method: clinical testing. Allele origin: germline. Affected: yes. Study: VKGL Data-share Consensus. Not counted in ClinVar's aggregate classification.